The following is an entry in ClinVar:

ClinVar aggregate classification (germline): Uncertain significance (1 of 4 stars; one submission).

Conditions:
Bronchiectasis with or without elevated sweat chloride 1 (BESC1). Also called: Cystic Fibrosis-Like Syndrome. Identifiers: Orphanet 60033, MedGen C2749757, MONDO:0008887, OMIM 211400.

Allele frequency attached by ClinVar (database versions not stated): TOPMed 0.00001.
gnomAD v4.1: 1 of 1,614,148 alleles (0.000062%); highest among the groups gnomAD compares: African/African-American, 0.0013%; no homozygotes.

Submission:

Johns Hopkins Genomics, Johns Hopkins University
Classification: Uncertain significance for Bronchiectasis with or without elevated sweat chloride 1. Last evaluated: 2023-02-08. Review status: criteria provided, single submitter. Criteria: ACMG Guidelines, 2015. Collection method: clinical testing. Allele origin: germline.
Comment: This SCNN1B missense variant (rs758735806) is rare (<0.1%) in a large population dataset (gnomAD v2.1.1: 1/251422 total alleles; 0.0004%; no homozygotes). It has not been reported in ClinVar nor the literature, to our knowledge. Two bioinformatic tools queried predict that this substitution would be tolerated, but these algorithms have low specificity, especially for predicting gain of function or dominant negative variants. The glutamic acid residue at this position is evolutionarily conserved across several species assessed, but many species have a different amino acid at this position, including 10 species with aspartic acid. We consider the clinical significance of c.372G>T; p.Glu124Asp in SCNN1B to be uncertain at this time.

Literature cited by the submitters: PubMed 34076240.

NM_000336.3(SCNN1B):c.372G>T (p.Glu124Asp)

Gene: SCNN1B (sodium channel epithelial 1 subunit beta; plus strand). Cytogenetic location: 16p12.2.
Variant type: single nucleotide variant.
Coding change: c.372G>T on transcript NM_000336.3 (MANE Select); coding-DNA position 372, G replaced by T.
Protein change: p.Glu124Asp; replaces glutamic acid 124 with aspartic acid.
Molecular consequence: missense variant.
Genome position (GRCh38, 1-based): chr16:23,352,861, G>T. VCF-style: chr16-23352861-G-T. GRCh37 (hg19) VCF-style: chr16-23364182-G-T.
Other names: c.372G>T, p.Glu124Asp (NM_001410900.1); short protein forms E124D.
Identifiers: ClinVar variation 2443042 (VCV002443042.1), dbSNP rs758735806, ClinGen allele CA279519673.
Genomic context (GRCh38, chr16:23,352,861, plus strand): 5'-GTATTCCAAAATCAAGCATTTGCTGAAGGACCTGGATGAGCTGATGGAAGCTGTCCTGGA[G>T]AGAATCCTGGCTCCTGAGCTAAGCCATGCCAATGCCACCAGGAACCTGAACTTCTCCATC-3'
Protein context (NP_000327.2, residues 114-134): DLDELMEAVL[Glu124Asp]RILAPELSHA